The following is an entry in ClinVar:

ClinVar aggregate classification (germline): Likely benign. Review status: criteria provided, multiple submitters, no conflicts (2 of 4 stars). 2 submissions from 2 submitters: Likely benign (2). Last evaluated 2026-01-05.

Allele frequency attached by ClinVar (database versions not stated): ExAC 0.00003; gnomAD exomes 0.00003 and 0.00005; gnomAD 0.00006 and 0.00007; TOPMed 0.00006; ESP Exome Variant Server 0.00008.
gnomAD v4.1: 80 of 1,609,064 alleles (0.005%); highest among the groups gnomAD compares: Non-Finnish European, 0.0065%; no homozygotes.

Submissions (2):

Labcorp Genetics (formerly Invitae), Labcorp
Classification: Likely benign. Last evaluated: 2026-01-05. Review status: criteria provided, single submitter. Criteria: Invitae Variant Classification Sherloc (09022015). Collection method: clinical testing. Allele origin: germline.

CeGaT Center for Human Genetics Tuebingen
Classification: Likely benign. Last evaluated: 2025-02-01. Review status: criteria provided, single submitter. Criteria: CeGaT Center For Human Genetics Tuebingen Variant Classification Criteria Version 2. Collection method: clinical testing. Allele origin: germline. Affected: yes. Observed: 1 variant allele.
Comment: PTPN23: BP4, BP7

NM_015466.4(PTPN23):c.2472C>T (p.Ala824=)

Gene: PTPN23 (protein tyrosine phosphatase non-receptor type 23; plus strand). Cytogenetic location: 3p21.31.
Variant type: single nucleotide variant.
Coding change: c.2472C>T on transcript NM_015466.4 (MANE Select); coding-DNA position 2472, C replaced by T.
Protein change: p.Ala824=; no amino-acid change (alanine 824 retained).
Molecular consequence: synonymous variant.
Genome position (GRCh38, 1-based): chr3:47,410,270, C>T. VCF-style: chr3-47410270-C-T. GRCh37 (hg19) VCF-style: chr3-47451760-C-T.
Other names: c.2094C>T, p.Ala698= (NM_001304482.2).
Identifiers: ClinVar variation 1566387 (VCV001566387.21), dbSNP rs367972360, ClinGen allele CA2366053.